The following is an entry in ClinVar:

NM_001199107.2(TBC1D24):c.1302+14A>C

Gene: TBC1D24 (TBC1 domain family member 24; plus strand). Cytogenetic location: 16p13.3.
Variant type: single nucleotide variant.
Coding change: c.1302+14A>C on transcript NM_001199107.2 (MANE Select); 14 bases into the intron after coding-DNA position 1302, A replaced by C.
Molecular consequence: intron variant.
Genome position (GRCh38, 1-based): chr16:2,499,944, A>C. VCF-style: chr16-2499944-A-C. GRCh37 (hg19) VCF-style: chr16-2549945-A-C.
Other names: c.1284+14A>C (NM_020705.3).
Identifiers: ClinVar variation 227977 (VCV000227977.15), dbSNP rs528462687, ClinGen allele CA7844239.

ClinVar aggregate classification (germline): Likely benign. Review status: criteria provided, multiple submitters, no conflicts (2 of 4 stars). 5 submissions from 5 submitters: Likely benign (5). Last evaluated 2025-12-03.

Conditions:
Developmental and epileptic encephalopathy, 1 (DEE1). Also called: X-linked infantile spasms; West's syndrome; Tonic spasms with clustering, arrest of psychomotor development and hypsarrhythmia on EEG; X-Linked Infantile Spasm Syndrome; Epileptic encephalopathy, early infantile, 1; OHTAHARA SYNDROME, X-LINKED. Identifiers: MedGen C3463992, MONDO:0010632, OMIM 308350. Disease mechanism: loss of function.
Autosomal dominant nonsyndromic hearing loss 65. Also called: TBC1D24-Related Autosomal Dominant Nonsyndromic Hearing Loss (DFNA); Deafness, autosomal dominant 65. Identifiers: Orphanet 90635, MedGen C3892048, MONDO:0014470, OMIM 616044.

Allele frequency attached by ClinVar (database versions not stated): ExAC 0.00007; gnomAD exomes 0.00008; TOPMed 0.00008; gnomAD 0.00009.
gnomAD v4.1: 136 of 1,610,422 alleles (0.0084%); highest among the groups gnomAD compares: Middle Eastern, 0.033%; no homozygotes.

Submissions (5):

Labcorp Genetics (formerly Invitae), Labcorp
Classification: Likely benign for Developmental and epileptic encephalopathy, 1; Autosomal dominant nonsyndromic hearing loss 65. Last evaluated: 2025-12-03. Review status: criteria provided, single submitter. Criteria: Invitae Variant Classification Sherloc (09022015). Collection method: clinical testing. Allele origin: germline.

Blueprint Genetics
Classification: Likely benign. Last evaluated: 2024-06-10. Review status: criteria provided, single submitter. Criteria: ACMG Guidelines, 2015. Collection method: clinical testing. Allele origin: germline.

GeneDx
Classification: Likely benign. Last evaluated: 2016-05-17. Review status: criteria provided, single submitter. Criteria: GeneDx Variant Classification (06012015). Collection method: clinical testing. Allele origin: germline. Affected: yes.
Comment: This variant is considered likely benign or benign based on one or more of the following criteria: it is a conservative change, it occurs at a poorly conserved position in the protein, it is predicted to be benign by multiple in silico algorithms, and/or has population frequency not consistent with disease.

Laboratory for Molecular Medicine, Mass General Brigham Personalized Medicine
Classification: Likely benign. Last evaluated: 2015-08-24. Review status: criteria provided, single submitter. Criteria: LMM Criteria. Collection method: clinical testing. Allele origin: germline. Observed: 1 variant allele.
Comment: c.1302+14>C in intron 6 of TBC1D24: This variant is not expected to have clinica l significance because it does not alter an amino acid residue and is not locate d within the splice consensus sequence. It has been identified in 7/66590 Europe an chromosomes and 1/9776 African chromosomes by the Exome Aggregation Consortiu m (ExAC; dbSNP rs528462687).

Breakthrough Genomics
Classification: Likely benign. Review status: criteria provided, single submitter. Criteria: ACMG Guidelines, 2015. Collection method: not provided. Allele origin: germline. Inheritance: Autosomal recessive inheritance. Affected: yes.